The following is an entry in ClinVar:

NM_001395507.1(TMPRSS7):c.957C>T (p.Tyr319=)

Gene: TMPRSS7 (transmembrane serine protease 7; plus strand). Cytogenetic location: 3q13.2.
Variant type: single nucleotide variant.
Coding change: c.957C>T on transcript NM_001395507.1 (MANE Select); coding-DNA position 957, C replaced by T.
Protein change: p.Tyr319=; no amino-acid change (tyrosine 319 retained).
Molecular consequence: synonymous variant. On other transcripts: non-coding transcript variant (1).
Genome position (GRCh38, 1-based): chr3:112,047,965, C>T. VCF-style: chr3-112047965-C-T. GRCh37 (hg19) VCF-style: chr3-111766812-C-T.
Other names: c.579C>T, p.Tyr193= (NM_001042575.2); c.546C>T, p.Tyr182= (NM_001366279.2).
Identifiers: ClinVar variation 2654028 (VCV002654028.24), dbSNP rs2473302851, ClinGen allele CA434882640.

ClinVar aggregate classification (germline): Likely benign (1 of 4 stars; one submission).

Allele frequency attached by ClinVar (database versions not stated): gnomAD exomes below 0.00001.
gnomAD v4.1: 1 of 1,611,920 alleles (0.000062%); highest among the groups gnomAD compares: Non-Finnish European, 0.000085%; no homozygotes.

Submission:

CeGaT Center for Human Genetics Tuebingen
Classification: Likely benign. Last evaluated: 2022-08-01. Review status: criteria provided, single submitter. Criteria: CeGaT Center For Human Genetics Tuebingen Variant Classification Criteria Version 2. Collection method: clinical testing. Allele origin: germline. Affected: yes. Observed: 1 variant allele.
Comment: TMPRSS7: PM2:Supporting, BP4, BP7